The following is an entry in ClinVar:

NM_000051.4(ATM):c.8671+1G>A

Genes: ATM (ATM serine/threonine kinase; plus strand), C11orf65 (chromosome 11 open reading frame 65; minus strand). Cytogenetic location: 11q22.3.
Variant type: single nucleotide variant.
Coding change: c.8671+1G>A on transcript NM_000051.4 (MANE Select); the canonical splice donor site of the intron after coding-DNA position 8671, G replaced by A.
Molecular consequence: splice donor variant. On other transcripts: intron variant (2).
Genome position (GRCh38, 1-based): chr11:108,347,366, G>A. VCF-style: chr11-108347366-G-A. GRCh37 (hg19) VCF-style: chr11-108218093-G-A.
Other names: c.8671+1G>A (NM_001351834.2); c.641-38295C>T (NM_001330368.2); c.695-12074C>T (NM_001351110.2).
Identifiers: ClinVar variation 2193209 (VCV002193209.6), dbSNP rs1555139694, ClinGen allele CA382521347.

ClinVar aggregate classification (germline): Likely pathogenic. Review status: criteria provided, multiple submitters, no conflicts (2 of 4 stars). 3 submissions from 3 submitters: Likely pathogenic (3). Last evaluated 2024-05-11.

Conditions:
Ataxia-telangiectasia syndrome (AT). Also called: ATAXIA-TELANGIECTASIA, COMPLEMENTATION GROUP A; ATAXIA-TELANGIECTASIA, FRESNO VARIANT; Ataxia-telangiectasia; Ataxia-telangiectasia, complementation group E; LOUIS-BAR SYNDROME; Cerebello-oculocutaneous telangiectasia. Identifiers: Orphanet 100, MedGen C0004135, MONDO:0008840, OMIM 208900.
Hereditary cancer-predisposing syndrome. Also called: Tumor predisposition; Hereditary Cancer Syndrome; Hereditary neoplastic syndrome; Neoplastic Syndromes, Hereditary. Identifiers: Orphanet 140162, MedGen C0027672, MeSH D009386, MONDO:0015356.
Familial cancer of breast. Also called: BREAST CANCER, FAMILIAL; hereditary breast carcinoma; Hereditary breast cancer. Identifiers: Orphanet 227535, MedGen C0346153, MONDO:0016419, OMIM 114480. Disease mechanism: loss of function.

Submissions (3):

Labcorp Genetics (formerly Invitae), Labcorp
Classification: Likely pathogenic for Ataxia-telangiectasia syndrome. Last evaluated: 2024-05-11. Review status: criteria provided, single submitter. Criteria: Invitae Variant Classification Sherloc (09022015). Collection method: clinical testing. Allele origin: germline.
Comment: This sequence change affects a donor splice site in intron 59 of the ATM gene. It is expected to disrupt RNA splicing. Variants that disrupt the donor or acceptor splice site typically lead to a loss of protein function (PMID: 16199547), and loss-of-function variants in ATM are known to be pathogenic (PMID: 23807571, 25614872). This variant is not present in population databases (gnomAD no frequency). This variant has not been reported in the literature in individuals affected with ATM-related conditions. ClinVar contains an entry for this variant (Variation ID: 2193209). Algorithms developed to predict the effect of sequence changes on RNA splicing suggest that this variant may disrupt the consensus splice site. In summary, the currently available evidence indicates that the variant is pathogenic, but additional data are needed to prove that conclusively. Therefore, this variant has been classified as Likely Pathogenic.

Baylor Genetics
Classification: Likely pathogenic for Familial cancer of breast. Last evaluated: 2024-01-23. Review status: criteria provided, single submitter. Criteria: ACMG Guidelines, 2015. Collection method: clinical testing. Allele origin: unknown.

Ambry Genetics
Classification: Likely pathogenic for Hereditary cancer-predisposing syndrome. Last evaluated: 2023-06-20. Review status: criteria provided, single submitter. Criteria: Ambry Variant Classification Scheme 2023. Collection method: clinical testing. Allele origin: germline.
Comment: The c.8671+1G>A intronic variant results from a G to A substitution one nucleotide after coding exon 58 of the ATM gene. Alterations that disrupt the canonical splice site are expected to cause aberrant splicing, resulting in an abnormal protein or a transcript that is subject to nonsense-mediated mRNA decay. This nucleotide position is highly conserved in available vertebrate species. In silico splice site analysis predicts that this alteration will weaken the native splice donor site. This variant is considered to be rare based on population cohorts in the Genome Aggregation Database (gnomAD). Based on the majority of available evidence to date, this variant is likely to be pathogenic.

Literature cited by the submitters: PubMed 16199547 (cited by Labcorp Genetics (formerly Invitae), Labcorp); PubMed 23807571 (cited by Labcorp Genetics (formerly Invitae), Labcorp); PubMed 25614872 (cited by Labcorp Genetics (formerly Invitae), Labcorp).